The following is an entry in ClinVar:

ClinVar aggregate classification (germline): Pathogenic (1 of 4 stars; one submission).

Conditions:
Neurofibromatosis, type 1 (NF1). Also called: VON RECKLINGHAUSEN DISEASE; Peripheral type neurofibromatosis; NEUROFIBROMATOSIS, TYPE I, SOMATIC; Neurofibromatosis, type I. Identifiers: Orphanet 636, MedGen C0027831, MONDO:0018975, OMIM 162200. Disease mechanism: loss of function.

Submission:

Labcorp Genetics (formerly Invitae), Labcorp
Classification: Pathogenic for Neurofibromatosis, type 1. Last evaluated: 2020-06-16. Review status: criteria provided, single submitter. Criteria: Invitae Variant Classification Sherloc (09022015). Collection method: clinical testing. Allele origin: germline.
Comment: For these reasons, this variant has been classified as Pathogenic. Loss-of-function variants in NF1 are known to be pathogenic (PMID: 10712197, 23913538). This variant has been observed in individual(s) with neurofibromatosis type 1 (PMID: 30046999). This variant is not present in population databases (ExAC no frequency). This sequence change creates a premature translational stop signal (p.Tyr998*) in the NF1 gene. It is expected to result in an absent or disrupted protein product.

Literature cited by the submitters: PubMed 10712197; PubMed 23913538; PubMed 30046999.

NM_001042492.3(NF1):c.2993dup (p.Tyr998Ter)

Gene: NF1 (neurofibromin 1; plus strand). Cytogenetic location: 17q11.2.
Variant type: Duplication.
Coding change: c.2993dup on transcript NM_001042492.3 (MANE Select); coding-DNA position 2993, one base duplicated (A; older notation c.2993dupA).
Protein change: p.Tyr998Ter; replaces tyrosine 998 with a stop codon.
Molecular consequence: nonsense. On other transcripts: frameshift variant (1).
Genome position (GRCh38, 1-based): chr17:31,230,262, A duplicated. VCF-style (leftmost placement, unchanged base first): chr17-31230261-T-TA. GRCh37 (hg19) VCF-style: chr17-29557279-T-TA.
Other names: c.2993dup, p.Tyr998Terfs (NM_000267.4); short protein forms Y998*.
Identifiers: ClinVar variation 1074965 (VCV001074965.5), dbSNP rs2151431474, ClinGen allele CA2499224080.